The following is an entry in ClinVar:

ClinVar aggregate classification (germline): Uncertain significance (1 of 4 stars; one submission).

gnomAD v4.1: 3 of 1,208,111 alleles (0.00025%); highest among the groups gnomAD compares: African/African-American, 0.0053%; no homozygotes.

Submission:

GeneDx
Classification: Uncertain significance. Last evaluated: 2026-01-03. Review status: criteria provided, single submitter. Criteria: GeneDx Variant Classification Process June 2021. Collection method: clinical testing. Allele origin: germline.
Comment: Not observed at significant frequency in large population cohorts (gnomAD); In silico analysis supports that this missense variant has a deleterious effect on protein structure/function; Has not been previously published as pathogenic or benign to our knowledge

NM_001257291.2(SLC9A7):c.1949A>C (p.Glu650Ala)

Gene: SLC9A7 (solute carrier family 9 member A7; minus strand). Cytogenetic location: Xp11.3.
Variant type: single nucleotide variant.
Coding change: c.1949A>C on transcript NM_001257291.2 (MANE Select); coding-DNA position 1949, A replaced by C.
Protein change: p.Glu650Ala; replaces glutamic acid 650 with alanine.
Molecular consequence: missense variant.
Genome position (GRCh38, 1-based): chrX:46,607,184, T>G on the plus strand (A>C on the coding strand, the complement: SLC9A7 is on the minus strand). VCF-style: chrX-46607184-T-G. GRCh37 (hg19) VCF-style: chrX-46466619-T-G.
Other names: c.1946A>C, p.Glu649Ala (NM_032591.3); short protein forms E649A, E650A.
Identifiers: ClinVar variation 3359686 (VCV003359686.2).
Genomic context (GRCh38, chrX:46,607,184, plus strand): 5'-GTGCTGTCCCCGTAGGTCAATGTCAGGTCGCCTTCGGTCAGGATGAAATCAGAGTCTTCC[T>G]CTCTCAGTGGCTCTTGGTTCTGAAAAGTGCAACCAACAACAACAACAAAAATGAGAGACT-3'
Protein context (NP_001244220.1, residues 640-660): QVYDNQEPLR[Glu650Ala]EDSDFILTEG